The following is an entry in ClinVar:

ClinVar aggregate classification (germline): Uncertain significance (1 of 4 stars; one submission).

gnomAD v4.1: 1 of 1,607,266 alleles (0.000062%); highest among the groups gnomAD compares: Non-Finnish European, 0.000085%; no homozygotes.

Submission:

Labcorp Genetics (formerly Invitae), Labcorp
Classification: Uncertain significance. Last evaluated: 2024-10-21. Review status: criteria provided, single submitter. Criteria: Invitae Variant Classification Sherloc (09022015). Collection method: clinical testing. Allele origin: germline.
Comment: This sequence change falls in intron 21 of the POLE gene. It does not directly change the encoded amino acid sequence of the POLE protein. This variant is not present in population databases (gnomAD no frequency). This variant has not been reported in the literature in individuals affected with POLE-related conditions. Algorithms developed to predict the effect of sequence changes on RNA splicing suggest that this variant is not likely to affect RNA splicing. In summary, the available evidence is currently insufficient to determine the role of this variant in disease. Therefore, it has been classified as a Variant of Uncertain Significance.

NM_006231.4(POLE):c.2469-16T>G

Gene: POLE (DNA polymerase epsilon, catalytic subunit; minus strand). Cytogenetic location: 12q24.33.
Variant type: single nucleotide variant.
Coding change: c.2469-16T>G on transcript NM_006231.4 (MANE Select); 16 bases into the intron before coding-DNA position 2469, T replaced by G.
Molecular consequence: intron variant.
Genome position (GRCh38, 1-based): chr12:132,664,478, A>C on the plus strand (T>G on the coding strand, the complement: POLE is on the minus strand). VCF-style: chr12-132664478-A-C. GRCh37 (hg19) VCF-style: chr12-133241064-A-C.
Identifiers: ClinVar variation 2883372 (VCV002883372.3), dbSNP rs2042748457, ClinGen allele CA2622057593.